The following is an entry in ClinVar:

ClinVar aggregate classification (germline): Benign/Likely benign. Review status: criteria provided, multiple submitters, no conflicts (2 of 4 stars). 4 submissions from 4 submitters: Benign (2); Likely benign (2). Last evaluated 2025-09-13.

Conditions:
ASXL2-related disorder. Also called: ASXL2-related condition.

Allele frequency attached by ClinVar (database versions not stated): gnomAD exomes 0.00007 and 0.00016; ExAC 0.00020; gnomAD 0.00063 and 0.00064; ESP Exome Variant Server 0.00065; 1000 Genomes Project 0.00080; TOPMed 0.00083; 1000 Genomes Project 30x 0.00109.
gnomAD v4.1: 203 of 1,613,548 alleles (0.013%); highest among the groups gnomAD compares: African/African-American, 0.21%; no homozygotes.

Submissions (4):

PreventionGenetics, part of Exact Sciences
Classification: Likely benign for ASXL2-related condition. Last evaluated: 2025-09-13. Review status: criteria provided, single submitter. Criteria: ACMG Guidelines, 2015. Collection method: clinical testing. Allele origin: germline.
Comment: This variant is classified as likely benign based on ACMG/AMP sequence variant interpretation guidelines (Richards et al. 2015 PMID: 25741868, with internal and published modifications).

Labcorp Genetics (formerly Invitae), Labcorp
Classification: Benign. Last evaluated: 2025-09-06. Review status: criteria provided, single submitter. Criteria: Invitae Variant Classification Sherloc (09022015). Collection method: clinical testing. Allele origin: germline.

Blueprint Genetics
Classification: Likely benign. Last evaluated: 2024-02-19. Review status: criteria provided, single submitter. Criteria: ACMG Guidelines, 2015. Collection method: clinical testing. Allele origin: germline.

Breakthrough Genomics
Classification: Benign. Review status: criteria provided, single submitter. Criteria: ACMG Guidelines, 2015. Collection method: not provided. Allele origin: germline. Inheritance: Autosomal dominant inheritance. Affected: yes.

NM_018263.6(ASXL2):c.822G>A (p.Pro274=)

Gene: ASXL2 (ASXL transcriptional regulator 2; minus strand). Cytogenetic location: 2p23.3.
Variant type: single nucleotide variant.
Coding change: c.822G>A on transcript NM_018263.6 (MANE Select); coding-DNA position 822, G replaced by A.
Protein change: p.Pro274=; no amino-acid change (proline 274 retained).
Molecular consequence: synonymous variant.
Genome position (GRCh38, 1-based): chr2:25,759,599, C>T on the plus strand (G>A on the coding strand, the complement: ASXL2 is on the minus strand). VCF-style: chr2-25759599-C-T. GRCh37 (hg19) VCF-style: chr2-25982468-C-T.
Other names: c.648G>A, p.Pro216= (NM_001369346.1); c.42G>A, p.Pro14= (NM_001369347.1); c.822G>A (NM_018263.4).
Identifiers: ClinVar variation 1666839 (VCV001666839.11), dbSNP rs369962968, ClinGen allele CA1557951.